The following is an entry in ClinVar:

NM_016239.4(MYO15A):c.2425C>T (p.Pro809Ser)

Gene: MYO15A (myosin XVA; plus strand). Cytogenetic location: 17p11.2.
Variant type: single nucleotide variant.
Coding change: c.2425C>T on transcript NM_016239.4 (MANE Select); coding-DNA position 2425, C replaced by T.
Protein change: p.Pro809Ser; replaces proline 809 with serine.
Molecular consequence: missense variant.
Genome position (GRCh38, 1-based): chr17:18,121,225, C>T. VCF-style: chr17-18121225-C-T. GRCh37 (hg19) VCF-style: chr17-18024539-C-T.
Other names: short protein forms P809S.
Identifiers: ClinVar variation 3373360 (VCV003373360.1).

ClinVar aggregate classification (germline): Uncertain significance (1 of 4 stars; one submission).

Submission:

GeneDx
Classification: Uncertain significance. Last evaluated: 2024-05-01. Review status: criteria provided, single submitter. Criteria: GeneDx Variant Classification Process June 2021. Collection method: clinical testing. Allele origin: germline. Affected: yes.
Comment: Not observed at significant frequency in large population cohorts (gnomAD); In silico analysis indicates that this missense variant does not alter protein structure/function; Has not been previously published as pathogenic or benign to our knowledge